The following is an entry in ClinVar:

ClinVar aggregate classification (germline): Conflicting classifications of pathogenicity. Review status: criteria provided, conflicting classifications (1 of 4 stars). 2 submissions from 2 submitters: Uncertain significance (1); Likely benign (1). Last evaluated 2024-09-06.

Conditions:
Hereditary cancer-predisposing syndrome. Also called: Tumor predisposition; Hereditary neoplastic syndrome; Neoplastic Syndromes, Hereditary; Hereditary Cancer Syndrome. Identifiers: Orphanet 140162, MedGen C0027672, MeSH D009386, MONDO:0015356.
Bloom syndrome (BLM). Also called: Bloom-Torre-Machacek syndrome. Identifiers: Orphanet 125, MedGen C0005859, MONDO:0008876, OMIM 210900.

Submissions (2):

Ambry Genetics
Classification: Likely benign for Hereditary cancer-predisposing syndrome. Last evaluated: 2024-09-06. Review status: criteria provided, single submitter. Criteria: Ambry Variant Classification Scheme 2023. Collection method: clinical testing. Allele origin: germline.

Labcorp Genetics (formerly Invitae), Labcorp
Classification: Uncertain significance for Bloom syndrome. Last evaluated: 2024-06-11. Review status: criteria provided, single submitter. Criteria: Invitae Variant Classification Sherloc (09022015). Collection method: clinical testing. Allele origin: germline.
Comment: This sequence change replaces isoleucine, which is neutral and non-polar, with threonine, which is neutral and polar, at codon 309 of the BLM protein (p.Ile309Thr). This variant is not present in population databases (gnomAD no frequency). This variant has not been reported in the literature in individuals affected with BLM-related conditions. ClinVar contains an entry for this variant (Variation ID: 856598). Advanced modeling of protein sequence and biophysical properties (such as structural, functional, and spatial information, amino acid conservation, physicochemical variation, residue mobility, and thermodynamic stability) performed at Invitae indicates that this missense variant is not expected to disrupt BLM protein function with a negative predictive value of 80%. In summary, the available evidence is currently insufficient to determine the role of this variant in disease. Therefore, it has been classified as a Variant of Uncertain Significance.

NM_000057.4(BLM):c.926T>C (p.Ile309Thr)

Gene: BLM (BLM RecQ like helicase; plus strand). Cytogenetic location: 15q26.1.
Variant type: single nucleotide variant.
Coding change: c.926T>C on transcript NM_000057.4 (MANE Select); coding-DNA position 926, T replaced by C.
Protein change: p.Ile309Thr; replaces isoleucine 309 with threonine.
Molecular consequence: missense variant. On other transcripts: 5 prime UTR variant (1).
Genome position (GRCh38, 1-based): chr15:90,751,913, T>C. VCF-style: chr15-90751913-T-C. GRCh37 (hg19) VCF-style: chr15-91295143-T-C.
Other names: c.926T>C (NM_000057.2); c.926T>C, p.Ile309Thr (NM_001287246.2, NM_001287247.2); c.-366T>C (NM_001287248.2); short protein forms I309T.
Identifiers: ClinVar variation 856598 (VCV000856598.11), dbSNP rs1895697384, ClinGen allele CA393841899.